The following is an entry in ClinVar:

ClinVar aggregate classification (germline): Uncertain significance (1 of 4 stars; one submission).

Conditions:
Catecholaminergic polymorphic ventricular tachycardia 1. Also called: RYR2-Related Catecholaminergic Polymorphic Ventricular Tachycardia; VENTRICULAR TACHYCARDIA, CATECHOLAMINERGIC POLYMORPHIC, 1, WITH OR WITHOUT ATRIAL DYSFUNCTION AND/OR DILATED CARDIOMYOPATHY; VENTRICULAR TACHYCARDIA, STRESS-INDUCED POLYMORPHIC 1. Identifiers: Orphanet 3286, MedGen C1631597, MONDO:0011484, OMIM 604772.

Submission:

Labcorp Genetics (formerly Invitae), Labcorp
Classification: Uncertain significance for Catecholaminergic polymorphic ventricular tachycardia 1. Last evaluated: 2024-02-05. Review status: criteria provided, single submitter. Criteria: Invitae Variant Classification Sherloc (09022015). Collection method: clinical testing. Allele origin: germline.
Comment: This sequence change replaces alanine, which is neutral and non-polar, with valine, which is neutral and non-polar, at codon 3943 of the RYR2 protein (p.Ala3943Val). This variant is not present in population databases (gnomAD no frequency). This variant has not been reported in the literature in individuals affected with RYR2-related conditions. Advanced modeling of protein sequence and biophysical properties (such as structural, functional, and spatial information, amino acid conservation, physicochemical variation, residue mobility, and thermodynamic stability) performed at Invitae indicates that this missense variant is expected to disrupt RYR2 protein function with a positive predictive value of 95%. In summary, the available evidence is currently insufficient to determine the role of this variant in disease. Therefore, it has been classified as a Variant of Uncertain Significance.

NM_001035.3(RYR2):c.11828C>T (p.Ala3943Val)

Gene: RYR2 (ryanodine receptor 2; plus strand). Cytogenetic location: 1q43.
Variant type: single nucleotide variant.
Coding change: c.11828C>T on transcript NM_001035.3 (MANE Select); coding-DNA position 11828, C replaced by T.
Protein change: p.Ala3943Val; replaces alanine 3943 with valine.
Molecular consequence: missense variant.
Genome position (GRCh38, 1-based): chr1:237,778,718, C>T. VCF-style: chr1-237778718-C-T. GRCh37 (hg19) VCF-style: chr1-237942018-C-T.
Other names: short protein forms A3943V.
Identifiers: ClinVar variation 3650290 (VCV003650290.2).
Genomic context (GRCh38, chr1:237,778,718, plus strand): 5'-TGCTCCAGGGTCCTTGCACTGGGAATCAACAGAGTTTGGCACACAGCAGGCTGTGGGATG[C>T]TGTGGTCGGCTTTCTTCATGTGTTTGCCCATATGCAGATGAAGCTGTCGCAGGTAAACTA-3'
Protein context (NP_001026.2, residues 3933-3953): QSLAHSRLWD[Ala3943Val]VVGFLHVFAH